The following is an entry in ClinVar:

ClinVar aggregate classification (germline): Uncertain significance (1 of 4 stars; one submission).

Conditions:
Hereditary cancer-predisposing syndrome. Also called: Neoplastic Syndromes, Hereditary; Tumor predisposition; Hereditary Cancer Syndrome; Hereditary neoplastic syndrome. Identifiers: Orphanet 140162, MedGen C0027672, MeSH D009386, MONDO:0015356.

Allele frequency attached by ClinVar (database versions not stated): gnomAD exomes below 0.00001.
gnomAD v4.1: 1 of 1,613,792 alleles (0.000062%); highest among the groups gnomAD compares: Non-Finnish European, 0.000085%; no homozygotes.

Submission:

Ambry Genetics
Classification: Uncertain significance for Hereditary cancer-predisposing syndrome. Last evaluated: 2021-08-25. Review status: criteria provided, single submitter. Criteria: Ambry Variant Classification Scheme 2023. Collection method: clinical testing. Allele origin: germline.
Comment: The p.Q986H variant (also known as c.2958A>C), located in coding exon 19 of the RAD50 gene, results from an A to C substitution at nucleotide position 2958. The glutamine at codon 986 is replaced by histidine, an amino acid with highly similar properties. This amino acid position is conserved. In addition, this alteration is predicted to be tolerated by in silico analysis. Since supporting evidence is limited at this time, the clinical significance of this alteration remains unclear.

NM_005732.4(RAD50):c.2958A>C (p.Gln986His)

Gene: RAD50 (RAD50 double strand break repair protein; plus strand). Cytogenetic location: 5q31.1.
Variant type: single nucleotide variant.
Coding change: c.2958A>C on transcript NM_005732.4 (MANE Select); coding-DNA position 2958, A replaced by C.
Protein change: p.Gln986His; replaces glutamine 986 with histidine.
Molecular consequence: missense variant.
Genome position (GRCh38, 1-based): chr5:132,609,318, A>C. VCF-style: chr5-132609318-A-C. GRCh37 (hg19) VCF-style: chr5-131945010-A-C.
Other names: short protein forms Q986H.
Identifiers: ClinVar variation 1798124 (VCV001798124.2), dbSNP rs2479371600, ClinGen allele CA360960440.